The following is an entry in ClinVar:

ClinVar aggregate classification (germline): Uncertain significance (1 of 4 stars; one submission).

Conditions:
Leukocyte adhesion deficiency 3. Also called: INTEGRIN ACTIVATION DEFICIENCY DISEASE; LEUKOCYTE ADHESION DEFICIENCY 1 VARIANT; Leukocyte adhesion deficiency, type III. Identifiers: Orphanet 2968, Orphanet 99844, MedGen C2748536, MONDO:0013016, OMIM 612840.

Allele frequency attached by ClinVar (database versions not stated): gnomAD exomes 0.00001 and 0.00002; TOPMed 0.00001; gnomAD 0.00002; ExAC 0.00004; ESP Exome Variant Server 0.00008.

Submission:

Labcorp Genetics (formerly Invitae), Labcorp
Classification: Uncertain significance for Leukocyte adhesion deficiency 3. Last evaluated: 2021-08-26. Review status: criteria provided, single submitter. Criteria: Invitae Variant Classification Sherloc (09022015). Collection method: clinical testing. Allele origin: germline.
Comment: This sequence change replaces arginine with tryptophan at codon 200 of the FERMT3 protein (p.Arg200Trp). The arginine residue is moderately conserved and there is a moderate physicochemical difference between arginine and tryptophan. This variant is present in population databases (rs374745942, ExAC 0.02%). This variant has not been reported in the literature in individuals affected with FERMT3-related conditions. Algorithms developed to predict the effect of missense changes on protein structure and function are either unavailable or do not agree on the potential impact of this missense change (SIFT: "Tolerated"; PolyPhen-2: "Possibly Damaging"; Align-GVGD: "Class C0"). In summary, the available evidence is currently insufficient to determine the role of this variant in disease. Therefore, it has been classified as a Variant of Uncertain Significance.

NM_031471.6(FERMT3):c.598C>T (p.Arg200Trp)

Gene: FERMT3 (FERM domain containing kindlin 3; plus strand). Cytogenetic location: 11q13.1.
Variant type: single nucleotide variant.
Coding change: c.598C>T on transcript NM_031471.6 (MANE Select); coding-DNA position 598, C replaced by T.
Protein change: p.Arg200Trp; replaces arginine 200 with tryptophan.
Molecular consequence: missense variant.
Genome position (GRCh38, 1-based): chr11:64,211,358, C>T. VCF-style: chr11-64211358-C-T. GRCh37 (hg19) VCF-style: chr11-63978830-C-T.
Other names: c.598C>T, p.Arg200Trp (NM_001382361.1, NM_001382362.1, NM_001382448.1 and 1 more transcripts); c.58C>T, p.Arg20Trp (NM_001382363.1, NM_001382364.1); short protein forms R20W, R200W.
Identifiers: ClinVar variation 1522539 (VCV001522539.5), dbSNP rs374745942, ClinGen allele CA6068816.